The following is an entry in ClinVar:

NM_000384.3(APOB):c.7855G>A (p.Val2619Ile)

Gene: APOB (apolipoprotein B; minus strand). Cytogenetic location: 2p24.1.
Variant type: single nucleotide variant.
Coding change: c.7855G>A on transcript NM_000384.3 (MANE Select); coding-DNA position 7855, G replaced by A.
Protein change: p.Val2619Ile; replaces valine 2619 with isoleucine.
Molecular consequence: missense variant.
Genome position (GRCh38, 1-based): chr2:21,009,013, C>T on the plus strand (G>A on the coding strand, the complement: APOB is on the minus strand). VCF-style: chr2-21009013-C-T. GRCh37 (hg19) VCF-style: chr2-21231885-C-T.
Other names: short protein forms V2619I.
Identifiers: ClinVar variation 3127918 (VCV003127918.3), dbSNP rs2465367897, ClinGen allele CA345995971.
Genomic context (GRCh38, chr2:21,009,013, plus strand): 5'-TATTTTTTAAGTCTTTGAAGTTTATCTGAACTGATGGAATCCTCAAATCTGTTAGGGGGA[C>T]TATAAAATCAGGTGTCTGGAAGGTAGCTTTCTGAAGAGCCTGAAGACTGACTTCAAAGGC-3'
Protein context (NP_000375.3, residues 2609-2629): KATFQTPDFI[Val2619Ile]PLTDLRIPSV

ClinVar aggregate classification (germline): Uncertain significance. Review status: criteria provided, multiple submitters, no conflicts (2 of 4 stars). 2 submissions from 2 submitters: Uncertain significance (2). Last evaluated 2025-07-22.

Conditions:
Cardiovascular phenotype. Identifiers: MedGen CN230736.

Allele frequency attached by ClinVar (database versions not stated): gnomAD exomes below 0.00001.
gnomAD v4.1: 7 of 1,613,998 alleles (0.00043%); highest among the groups gnomAD compares: Non-Finnish European, 0.00025%; no homozygotes.

Submissions (2):

Ambry Genetics
Classification: Uncertain significance for Cardiovascular phenotype. Last evaluated: 2025-07-22. Review status: criteria provided, single submitter. Criteria: Ambry Variant Classification Scheme 2023. Collection method: clinical testing. Allele origin: germline.
Comment: The p.V2619I variant (also known as c.7855G>A), located in coding exon 26 of the APOB gene, results from a G to A substitution at nucleotide position 7855. The valine at codon 2619 is replaced by isoleucine, an amino acid with highly similar properties. This amino acid position is conserved. In addition, this alteration is predicted to be tolerated by in silico analysis. Based on the available evidence, the clinical significance of this variant remains unclear.

Blueprint Genetics
Classification: Uncertain significance. Last evaluated: 2017-10-25. Review status: criteria provided, single submitter. Criteria: ACMG Guidelines, 2015. Collection method: clinical testing. Allele origin: germline.